The following is an entry in ClinVar:

ClinVar aggregate classification (germline): Uncertain significance (1 of 4 stars; one submission).

Conditions:
Hereditary spastic paraplegia 53. Also called: Spastic paraplegia 53, autosomal recessive. Identifiers: Orphanet 319199, MedGen C3539494, MONDO:0013962, OMIM 614898.

Allele frequency attached by ClinVar (database versions not stated): TOPMed 0.00008.
gnomAD v4.1: 8 of 1,599,776 alleles (0.0005%); highest among the groups gnomAD compares: African/African-American, 0.0014%; no homozygotes.

Submission:

Labcorp Genetics (formerly Invitae), Labcorp
Classification: Uncertain significance for Hereditary spastic paraplegia 53. Last evaluated: 2018-10-04. Review status: criteria provided, single submitter. Criteria: Invitae Variant Classification Sherloc (09022015). Collection method: clinical testing. Allele origin: germline.
Comment: Algorithms developed to predict the effect of missense changes on protein structure and function output the following: SIFT: "Tolerated"; PolyPhen-2: "Benign"; Align-GVGD: "Class C0". The glutamic acid amino acid residue is found in multiple mammalian species, suggesting that this missense change does not adversely affect protein function. These predictions have not been confirmed by published functional studies and their clinical significance is uncertain. In summary, the available evidence is currently insufficient to determine the role of this variant in disease. Therefore, it has been classified as a Variant of Uncertain Significance. This variant is present in population databases (rs2285269, ExAC 0.001%). This sequence change replaces aspartic acid with glutamic acid at codon 351 of the VPS37A protein (p.Asp351Glu). The aspartic acid residue is moderately conserved and there is a small physicochemical difference between aspartic acid and glutamic acid. This variant has not been reported in the literature in individuals with VPS37A-related disease.

NM_152415.3(VPS37A):c.1053C>G (p.Asp351Glu)

Gene: VPS37A (VPS37A subunit of ESCRT-I; plus strand). Cytogenetic location: 8p22.
Variant type: single nucleotide variant.
Coding change: c.1053C>G on transcript NM_152415.3 (MANE Select); coding-DNA position 1053, C replaced by G.
Protein change: p.Asp351Glu; replaces aspartic acid 351 with glutamic acid.
Molecular consequence: missense variant.
Genome position (GRCh38, 1-based): chr8:17,284,556, C>G. VCF-style: chr8-17284556-C-G. GRCh37 (hg19) VCF-style: chr8-17142065-C-G.
Other names: c.978C>G, p.Asp326Glu (NM_001145152.2); c.1035C>G, p.Asp345Glu (NM_001363167.1); c.783C>G, p.Asp261Glu (NM_001363168.1, NM_001363169.1); c.765C>G, p.Asp255Glu (NM_001363170.1, NM_001363171.1, NM_001363172.2); c.1053C>G, p.Asp351Glu (NM_001363173.2); short protein forms D255E, D345E, D351E, D261E, D326E.
Identifiers: ClinVar variation 664639 (VCV000664639.5), dbSNP rs2285269, ClinGen allele CA4643598.